The following is an entry in ClinVar:

NC_000016.9:g.(?_89845199)_(89874785_?)del

Gene: FANCA (FA complementation group A; minus strand). Cytogenetic location: 16q24.3.
Variant type: Deletion.
Identifiers: ClinVar variation 1069471 (VCV001069471.7).

ClinVar aggregate classification (germline): Pathogenic (1 of 4 stars; one submission).

Conditions:
Fanconi anemia (FA). Also called: Fanconi's anemia. Identifiers: Orphanet 84, MedGen C0015625, MeSH D005199, MONDO:0019391.

Submission:

Labcorp Genetics (formerly Invitae), Labcorp
Classification: Pathogenic for Fanconi anemia. Last evaluated: 2020-07-08. Review status: criteria provided, single submitter. Criteria: Invitae Variant Classification Sherloc (09022015). Collection method: clinical testing. Allele origin: germline.
Comment: For these reasons, this variant has been classified as Pathogenic. Loss-of-function variants in FANCA are known to be pathogenic (PMID: 19367192). This variant has been observed in individual(s) with Fanconi anemia (PMID: 29098742). This variant is an out-of-frame deletion of the genomic region encompassing exon(s) 6-20 of the FANCA gene. This is expected to create a premature translational stop signal and result in an absent or disrupted protein product.

Literature cited by the submitters: PubMed 19367192; PubMed 29098742.